The following is an entry in ClinVar:

NM_001100.4(ACTA1):c.140_141delinsAA (p.Val47Glu)

Gene: ACTA1 (actin alpha 1, skeletal muscle; minus strand). Cytogenetic location: 1q42.13.
Variant type: Indel.
Coding change: c.140_141delinsAA on transcript NM_001100.4 (MANE Select); coding-DNA positions 140 to 141, TC replaced by AA.
Protein change: p.Val47Glu; replaces valine 47 with glutamic acid.
Molecular consequence: missense variant.
Genome position (GRCh38, 1-based): chr1:229,432,869-229,432,870, GA replaced by TT on the plus strand (TC replaced by AA on the coding strand, the reverse complement: ACTA1 is on the minus strand). VCF-style: chr1-229432869-GA-TT. GRCh37 (hg19) VCF-style: chr1-229568616-GA-TT.
Other names: short protein forms V47E.
Identifiers: ClinVar variation 3572944 (VCV003572944.1).

ClinVar aggregate classification (germline): Likely pathogenic (1 of 4 stars; one submission).

Conditions:
Actin accumulation myopathy (CMYO2A). Also called: CONGENITAL MYOPATHY 2A, TYPICAL, AUTOSOMAL DOMINANT; Myopathy, actin, congenital, with cores; Nemaline myopathy 3, with intranuclear rods; Nemaline myopathy type 3; Myopathy, actin, congenital, with excess of thin myofilaments. Identifiers: Orphanet 98904, MedGen C3711389, MONDO:0008070, OMIM 161800.

Submission:

North West Genomic Laboratory Hub, Manchester University NHS Foundation Trust
Classification: Likely pathogenic for Actin accumulation myopathy. Last evaluated: 2024-03-27. Review status: criteria provided, single submitter. Criteria: ACGS Best Practice Guidelines for Variant Classification in Rare Disease 2020. Collection method: clinical testing. Allele origin: germline. Affected: yes.
Comment: PM1_Mod PM2_Mod PP2_Supp PP3_Supp

Literature cited by the submitters: PubMed 19562689; PubMed 27112274; PubMed 35810298.